The following is an entry in ClinVar:

ClinVar aggregate classification (germline): Likely benign (1 of 4 stars; one submission).

Conditions:
GNA11-related disorder. Also called: GNA11-related condition.

gnomAD v4.1: 324 of 1,608,518 alleles (0.02%); highest among the groups gnomAD compares: Non-Finnish European, 0.026%; no homozygotes.

Submission:

PreventionGenetics, part of Exact Sciences
Classification: Likely benign for GNA11-related condition. Last evaluated: 2026-03-10. Review status: criteria provided, single submitter. Criteria: ACMG Guidelines, 2015. Collection method: clinical testing. Allele origin: germline.
Comment: This variant is classified as likely benign based on ACMG/AMP sequence variant interpretation guidelines (Richards et al. 2015 PMID: 25741868, with internal and published modifications).

NM_002067.5(GNA11):c.*2C>T

Gene: GNA11 (G protein subunit alpha 11; plus strand). Cytogenetic location: 19p13.3.
Variant type: single nucleotide variant.
Coding change: c.*2C>T on transcript NM_002067.5 (MANE Select); 2 bases downstream of the stop codon, C replaced by T.
Molecular consequence: 3 prime UTR variant.
Genome position (GRCh38, 1-based): chr19:3,121,181, C>T. VCF-style: chr19-3121181-C-T. GRCh37 (hg19) VCF-style: chr19-3121179-C-T.
Identifiers: ClinVar variation 4981003 (VCV004981003.1).